The following is an entry in ClinVar:

NM_000321.3(RB1):c.1814+3A>G

Gene: RB1 (RB transcriptional corepressor 1; plus strand). Cytogenetic location: 13q14.2.
Variant type: single nucleotide variant.
Coding change: c.1814+3A>G on transcript NM_000321.3 (MANE Select); 3 bases into the intron after coding-DNA position 1814, A replaced by G.
Molecular consequence: intron variant.
Genome position (GRCh38, 1-based): chr13:48,453,114, A>G. VCF-style: chr13-48453114-A-G. GRCh37 (hg19) VCF-style: chr13-49027250-A-G.
Identifiers: ClinVar variation 252476 (VCV000252476.22), dbSNP rs376886420, ClinGen allele CA032673.

ClinVar aggregate classification (germline): Conflicting classifications of pathogenicity. Review status: criteria provided, conflicting classifications (1 of 4 stars). 6 submissions from 6 submitters: Uncertain significance (3); Likely benign (3). Last evaluated 2026-06-22.

Conditions:
Hereditary cancer-predisposing syndrome. Also called: Hereditary neoplastic syndrome; Neoplastic Syndromes, Hereditary; Hereditary Cancer Syndrome; Tumor predisposition. Identifiers: Orphanet 140162, MedGen C0027672, MeSH D009386, MONDO:0015356.
Retinoblastoma (RB1). Also called: RETINOBLASTOMA, SOMATIC. Identifiers: Orphanet 790, MedGen C0035335, MeSH D012175, MONDO:0008380, OMIM 180200, HP:0009919. Disease mechanism: loss of function. Inheritance: Both sporadic and heritable forms are tested..

Allele frequency attached by ClinVar (database versions not stated): gnomAD 0.00003; TOPMed 0.00003; ExAC 0.00004; 1000 Genomes Project 30x 0.00016; ESP Exome Variant Server 0.00008; gnomAD exomes 0.00002 and 0.00005; 1000 Genomes Project 0.00020.
gnomAD v4.1: 71 of 1,610,446 alleles (0.0044%); highest among the groups gnomAD compares: Non-Finnish European, 0.0057%; no homozygotes.

Submissions (6):

Myriad Genetics, Inc.
Classification: Likely benign for Retinoblastoma. Last evaluated: 2026-06-22. Review status: criteria provided, single submitter. Criteria: Myriad Autosomal Dominant, Autosomal Recessive and X-Linked Classification Criteria (2023). Collection method: clinical testing. Allele origin: unknown.
Comment: This variant is considered likely benign. This variant is intronic and is not expected to impact mRNA splicing. This variant has been observed at a population frequency that is significantly greater than expected given the associated disease prevalence and penetrance.

Labcorp Genetics (formerly Invitae), Labcorp
Classification: Likely benign for Retinoblastoma. Last evaluated: 2026-02-03. Review status: criteria provided, single submitter. Criteria: Invitae Variant Classification Sherloc (09022015). Collection method: clinical testing. Allele origin: germline.

All of Us Research Program, National Institutes of Health
Classification: Uncertain significance for Retinoblastoma. Last evaluated: 2024-08-29. Review status: criteria provided, single submitter. Criteria: ACMG Guidelines, 2015. Collection method: clinical testing. Allele origin: germline. Inheritance: Autosomal dominant inheritance. Observed: 21 variant alleles, 20 heterozygotes, 1 hemizygote.
Comment: This variant causes an A to G nucleotide substitution at the +3 position of intron 18 of the RB1 gene. Splice site prediction tools predict that this variant may have a significant impact on RNA splicing, although this prediction has not been confirmed in published RNA studies. This variant has not been reported in individuals affected with RB1-related disorders in the literature. However a different variant at this position has been observed in a patient affected with bilateral retinoblastoma (c.1814+3A>C; PMID: 32218800) and has been classified as pathogenic in ClinVar (Variation ID: VCV000237664). This variant has been identified in 6/249688 chromosomes in the general population by the Genome Aggregation Database (gnomAD). The available evidence is insufficient to determine the role of this variant in disease conclusively. Therefore, this variant is classified as a Variant of Uncertain Significance.

This study involves interpretation of variants in research participants for the purpose of population health screening. Participant phenotype was not available at the time of variant classification. Additional details can be found in publication PMID: 35346344, PMCID: PMC8962531

Color Diagnostics, LLC DBA Color Health
Classification: Uncertain significance for Retinoblastoma. Last evaluated: 2024-04-17. Review status: criteria provided, single submitter. Criteria: ACMG Guidelines, 2015. Collection method: clinical testing. Allele origin: germline.
Comment: This variant causes an A to G nucleotide substitution at the +3 position of intron 18/26 of the RB1 gene. To our knowledge, RNA studies have not been reported for this variant. Another variant at this position is classified as disease causing in ClinVar (c.1814+3A>CSCV000284615.5). This variant has not been reported in individuals affected with RB1-related disorders in the literature. This variant has been identified in 6/249688 chromosomes in the general population by the Genome Aggregation Database (gnomAD). The available evidence is insufficient to determine the role of this variant in disease conclusively. Therefore, this variant is classified as a Variant of Uncertain Significance.

Ambry Genetics
Classification: Likely benign for Hereditary cancer-predisposing syndrome. Last evaluated: 2021-07-20. Review status: criteria provided, single submitter. Criteria: Ambry Variant Classification Scheme 2023. Collection method: clinical testing. Allele origin: germline.

Genomic Diagnostic Laboratory, Division of Genomic Diagnostics, Children's Hospital of Philadelphia
Classification: Uncertain significance for Retinoblastoma. Last evaluated: 2015-10-30. Review status: criteria provided, single submitter. Criteria: DGD Variant Analysis Guidelines. Collection method: clinical testing. Allele origin: unknown.

Literature cited by the submitters: PubMed 32218800 (cited by All of Us Research Program, National Institutes of Health).